The following is an entry in ClinVar:

ClinVar aggregate classification (germline): Likely pathogenic (1 of 4 stars; one submission).

Conditions:
Hirschsprung disease, susceptibility to, 1 (HSCR1). Also called: RET-Related Hirschsprung Disease. Identifiers: Orphanet 388, MedGen C3888239, MONDO:0007723, OMIM 142623.

Submission:

MGZ Medical Genetics Center
Classification: Likely pathogenic for Hirschsprung disease, susceptibility to, 1. Last evaluated: 2022-07-13. Review status: criteria provided, single submitter. Criteria: ACMG Guidelines, 2015. Collection method: clinical testing. Allele origin: germline. Affected: yes. Observed: 1 variant allele.
Comment: ACMG criteria applied: PVS1, PM2_SUP

NM_020975.6(RET):c.1438G>T (p.Glu480Ter)

Gene: RET (ret proto-oncogene; plus strand). Cytogenetic location: 10q11.21.
Variant type: single nucleotide variant.
Coding change: c.1438G>T on transcript NM_020975.6 (MANE Select); coding-DNA position 1438, G replaced by T.
Protein change: p.Glu480Ter; replaces glutamic acid 480 with a stop codon.
Molecular consequence: nonsense.
Genome position (GRCh38, 1-based): chr10:43,111,381, G>T. VCF-style: chr10-43111381-G-T. GRCh37 (hg19) VCF-style: chr10-43606829-G-T.
Other names: c.1438G>T, p.Glu480Ter (NM_000323.2, NM_001406743.1, NM_001406744.1 and 6 more transcripts); c.676G>T, p.Glu226Ter (NM_001355216.2); c.1309G>T, p.Glu437Ter (NM_001406761.1, NM_001406762.1, NM_001406764.1 and 1 more transcripts); c.1150G>T, p.Glu384Ter (NM_001406766.1, NM_001406767.1, NM_001406770.1); c.1042G>T, p.Glu348Ter (NM_001406769.1, NM_001406772.1); c.1000G>T, p.Glu334Ter (NM_001406771.1, NM_001406773.1); c.913G>T, p.Glu305Ter (NM_001406774.1); c.712G>T, p.Glu238Ter (NM_001406775.1, NM_001406776.1, NM_001406777.1 and 1 more transcripts); and 1 more; short protein forms E150*, E226*, E238*, E305*, E334*, E348*, E384*, E437*.
Identifiers: ClinVar variation 1709650 (VCV001709650.2), dbSNP rs537874538, ClinGen allele CA376549615.
Genomic context (GRCh38, chr10:43,111,381, plus strand): 5'-GACACCTCGGGGATCCTGTTTGTGAATGACACCAAGGCCCTGCGGCGGCCCAAGTGTGCC[G>T]AACTTCACTACATGGTGGTGGCCACCGACCAGCAGACCTCTAGGCAGGCCCAGGCCCAGC-3'